The following is an entry in ClinVar:

NM_000059.4(BRCA2):c.3797A>T (p.His1266Leu)

Gene: BRCA2 (BRCA2 DNA repair associated; plus strand). Cytogenetic location: 13q13.1.
Variant type: single nucleotide variant.
Coding change: c.3797A>T on transcript NM_000059.4 (MANE Select); coding-DNA position 3797, A replaced by T.
Protein change: p.His1266Leu; replaces histidine 1266 with leucine.
Molecular consequence: missense variant.
Genome position (GRCh38, 1-based): chr13:32,338,152, A>T. VCF-style: chr13-32338152-A-T. GRCh37 (hg19) VCF-style: chr13-32912289-A-T.
Other names: short protein forms H1266L.
Identifiers: ClinVar variation 462309 (VCV000462309.10), dbSNP rs1555283399, ClinGen allele CA387778400.

ClinVar aggregate classification (germline): Conflicting classifications of pathogenicity. Review status: criteria provided, conflicting classifications (1 of 4 stars). 2 submissions from 2 submitters: Uncertain significance (1); Likely benign (1). Last evaluated 2023-03-23.

Conditions:
Hereditary cancer-predisposing syndrome. Also called: Neoplastic Syndromes, Hereditary; Hereditary Cancer Syndrome; Hereditary neoplastic syndrome; Tumor predisposition. Identifiers: Orphanet 140162, MedGen C0027672, MeSH D009386, MONDO:0015356.
Hereditary breast ovarian cancer syndrome. Also called: Hereditary breast and ovarian cancer syndrome (HBOC); Hereditary breast and ovarian cancer syndrome; Breast and ovarian cancer; Hereditary breast and/or ovarian cancer syndrome; Hereditary breast and ovarian cancer; BRCA1- and BRCA2-Associated Hereditary Breast and Ovarian Cancer. Identifiers: Orphanet 145, MedGen C0677776, MeSH D061325, MONDO:0003582. Disease mechanism: loss of function.

Submissions (2):

University of Washington Department of Laboratory Medicine, University of Washington
Classification: Likely benign for Hereditary cancer-predisposing syndrome. Last evaluated: 2023-03-23. Review status: criteria provided, single submitter. Criteria: Dines et al. (Genet Med. 2020). Collection method: curation. Allele origin: germline.
Comment: Missense variant in a coldspot region where missense variants are very unlikely to be pathogenic (PMID:31911673).

BRCA2 exon 11 coldspot. Reclassification based on statistical prior probability.

Labcorp Genetics (formerly Invitae), Labcorp
Classification: Uncertain significance for Hereditary breast ovarian cancer syndrome. Last evaluated: 2017-07-21. Review status: criteria provided, single submitter. Criteria: Invitae Variant Classification Sherloc (09022015). Collection method: clinical testing. Allele origin: germline.
Comment: This sequence change replaces histidine with leucine at codon 1266 of the BRCA2 protein (p.His1266Leu). The histidine residue is weakly conserved and there is a moderate physicochemical difference between histidine and leucine. This variant is not present in population databases (ExAC no frequency). This variant has not been reported in the literature in individuals with BRCA2-related disease. Algorithms developed to predict the effect of missense changes on protein structure and function (SIFT, PolyPhen-2, Align-GVGD) all suggest that this variant is likely to be tolerated, but these predictions have not been confirmed by published functional studies and their clinical significance is uncertain. In summary, the available evidence is currently insufficient to determine the role of this variant in disease. Therefore, it has been classified as a Variant of Uncertain Significance.